The following is an entry in ClinVar:

ClinVar aggregate classification (germline): Pathogenic (1 of 4 stars; one submission).

Conditions:
Schimke immuno-osseous dysplasia (SIOD). Also called: Schimke Immunoosseous Dysplasia. Identifiers: Orphanet 1830, MedGen C0877024, MONDO:0009458, OMIM 242900.

Submission:

Labcorp Genetics (formerly Invitae), Labcorp
Classification: Pathogenic for Schimke immuno-osseous dysplasia. Last evaluated: 2022-09-13. Review status: criteria provided, single submitter. Criteria: Invitae Variant Classification Sherloc (09022015). Collection method: clinical testing. Allele origin: germline.
Comment: For these reasons, this variant has been classified as Pathogenic. Algorithms developed to predict the effect of sequence changes on RNA splicing suggest that this variant may disrupt the consensus splice site. ClinVar contains an entry for this variant (Variation ID: 1453865). This variant has not been reported in the literature in individuals affected with SMARCAL1-related conditions. This variant is not present in population databases (gnomAD no frequency). This sequence change creates a premature translational stop signal (p.Gln538*) in the SMARCAL1 gene. It is expected to result in an absent or disrupted protein product. Loss-of-function variants in SMARCAL1 are known to be pathogenic (PMID: 11799392, 20301550).

Literature cited by the submitters: PubMed 11799392; PubMed 20301550.

NM_014140.4(SMARCAL1):c.1612C>T (p.Gln538Ter)

Gene: SMARCAL1 (SNF2 related chromatin remodeling annealing helicase 1; plus strand). Cytogenetic location: 2q35.
Variant type: single nucleotide variant.
Coding change: c.1612C>T on transcript NM_014140.4 (MANE Select); coding-DNA position 1612, C replaced by T.
Protein change: p.Gln538Ter; replaces glutamine 538 with a stop codon.
Molecular consequence: nonsense.
Genome position (GRCh38, 1-based): chr2:216,435,464, C>T. VCF-style: chr2-216435464-C-T. GRCh37 (hg19) VCF-style: chr2-217300187-C-T.
Other names: c.1612C>T, p.Gln538Ter (NM_001127207.2); short protein forms Q538*.
Identifiers: ClinVar variation 1453865 (VCV001453865.7), dbSNP rs571627974, ClinGen allele CA350500561.